The following is an entry in ClinVar:

NM_001277115.2(DNAH11):c.6274-13T>G

Gene: DNAH11 (dynein axonemal heavy chain 11; plus strand). Cytogenetic location: 7p15.3.
Variant type: single nucleotide variant.
Coding change: c.6274-13T>G on transcript NM_001277115.2 (MANE Select); 13 bases into the intron before coding-DNA position 6274, T replaced by G.
Molecular consequence: intron variant.
Genome position (GRCh38, 1-based): chr7:21,704,421, T>G. VCF-style: chr7-21704421-T-G. GRCh37 (hg19) VCF-style: chr7-21744039-T-G.
Identifiers: ClinVar variation 163107 (VCV000163107.23), dbSNP rs2965401, ClinGen allele CA175724.

ClinVar aggregate classification (germline): Benign. Review status: criteria provided, multiple submitters, no conflicts (2 of 4 stars). 6 submissions from 6 submitters: Benign (6). Last evaluated 2026-02-04.

Conditions:
Primary ciliary dyskinesia. Also called: Ciliary dyskinesia. Identifiers: Orphanet 244, MedGen C0008780, MONDO:0016575, HP:0012265.
Primary ciliary dyskinesia 7. Also called: CILIARY DYSKINESIA, PRIMARY, 7, WITH OR WITHOUT SITUS INVERSUS. Identifiers: Orphanet 244, MedGen C2678473, MONDO:0012748, OMIM 611884.

Allele frequency attached by ClinVar (database versions not stated): gnomAD exomes 0.25502 and 0.39004; ESP Exome Variant Server 0.37314; gnomAD 0.42569 and 0.42727; TOPMed 0.45291; ExAC 0.46907; 1000 Genomes Project 0.58866; 1000 Genomes Project 30x 0.59291.
gnomAD v4.1: 435,055 of 1,594,826 alleles (27%); highest among the groups gnomAD compares: African/African-American, 82%; 83,296 homozygotes.

Submissions (9):

Labcorp Genetics (formerly Invitae), Labcorp
Classification: Benign for Primary ciliary dyskinesia. Last evaluated: 2026-02-04. Review status: criteria provided, single submitter. Criteria: Invitae Variant Classification Sherloc (09022015). Collection method: clinical testing. Allele origin: germline.

Blueprint Genetics
Classification: Benign. Last evaluated: 2024-11-27. Review status: criteria provided, single submitter. Criteria: ACMG Guidelines, 2015. Collection method: clinical testing. Allele origin: germline.

Genome-Nilou Lab
Classification: Benign for Primary ciliary dyskinesia 7. Last evaluated: 2021-07-30. Review status: criteria provided, single submitter. Criteria: ACMG Guidelines, 2015. Collection method: clinical testing. Allele origin: germline. Affected: no.

GeneDx
Classification: Benign. Last evaluated: 2018-12-31. Review status: criteria provided, single submitter. Criteria: GeneDx Variant Classification Process June 2021. Collection method: clinical testing. Allele origin: germline. Affected: yes.

PreventionGenetics, part of Exact Sciences
Classification: Benign. Last evaluated: 2016-03-14. Review status: criteria provided, single submitter. Criteria: ACMG Guidelines, 2015. Collection method: clinical testing. Allele origin: germline.

Laboratory for Molecular Medicine, Mass General Brigham Personalized Medicine
Classification: Benign. Last evaluated: 2013-02-21. Review status: criteria provided, single submitter. Criteria: LMM Criteria. Collection method: clinical testing. Allele origin: germline. Observed: 16 variant alleles.
Comment: 6274-13T>G in intron 37 of DNAH11: This variant is not expected to have clinical significance because it has been identified in 22.0% (807/3666) of African Amer ican chromosomes from a broad population by the NHLBI Exome Sequencing Project (dbSNP rs2965401).

Dr. Peter K. Rogan Lab, Western University
No classification provided (evidence only). Condition: Hepatocellular carcinoma. Review status: no classification provided. Collection method: in vitro. Allele origin: not applicable. Functional consequence: retained intron. Not counted in ClinVar's aggregate classification.

Dr. Peter K. Rogan Lab, Western University
No classification provided (evidence only). Condition: Nonpapillary renal cell carcinoma. Review status: no classification provided. Collection method: in vitro. Allele origin: not applicable. Functional consequence: retained intron. Not counted in ClinVar's aggregate classification.

Dr. Peter K. Rogan Lab, Western University
No classification provided (evidence only). Condition: Nonpapillary renal cell carcinoma. Review status: no classification provided. Collection method: in vitro. Allele origin: not applicable. Functional consequence: retained intron. Not counted in ClinVar's aggregate classification.